The following is an entry in ClinVar:

ClinVar aggregate classification (germline): Uncertain significance (1 of 4 stars; one submission).

Conditions:
Multiple sulfatase deficiency (MSD). Also called: Multiple Sulfatase Deficiency Disease; Sulfatidosis, Juvenile, Austin Type; Mucosulfatidosis. Identifiers: Orphanet 585, MedGen C0268263, MONDO:0010088, OMIM 272200.

Allele frequency attached by ClinVar (database versions not stated): gnomAD 0.00001; gnomAD exomes 0.00001.
gnomAD v4.1: 13 of 1,614,126 alleles (0.00081%); highest among the groups gnomAD compares: East Asian, 0.0067%; no homozygotes.

Submission:

Labcorp Genetics (formerly Invitae), Labcorp
Classification: Uncertain significance for Multiple sulfatase deficiency. Last evaluated: 2022-08-08. Review status: criteria provided, single submitter. Criteria: Invitae Variant Classification Sherloc (09022015). Collection method: clinical testing. Allele origin: germline.
Comment: This sequence change replaces arginine, which is basic and polar, with histidine, which is basic and polar, at codon 369 of the SUMF1 protein (p.Arg369His). The frequency data for this variant in the population databases is considered unreliable, as metrics indicate poor data quality at this position in the gnomAD database. This variant has not been reported in the literature in individuals affected with SUMF1-related conditions. Algorithms developed to predict the effect of missense changes on protein structure and function output the following: SIFT: "Tolerated"; PolyPhen-2: "Benign"; Align-GVGD: "Class C0". The histidine amino acid residue is found in multiple mammalian species, which suggests that this missense change does not adversely affect protein function. In summary, the available evidence is currently insufficient to determine the role of this variant in disease. Therefore, it has been classified as a Variant of Uncertain Significance.

NM_182760.4(SUMF1):c.1106G>A (p.Arg369His)

Gene: SUMF1 (sulfatase modifying factor 1; minus strand). Cytogenetic location: 3p26.1.
Variant type: single nucleotide variant.
Coding change: c.1106G>A on transcript NM_182760.4 (MANE Select); coding-DNA position 1106, G replaced by A.
Protein change: p.Arg369His; replaces arginine 369 with histidine.
Molecular consequence: missense variant.
Genome position (GRCh38, 1-based): chr3:4,362,163, C>T on the plus strand (G>A on the coding strand, the complement: SUMF1 is on the minus strand). VCF-style: chr3-4362163-C-T. GRCh37 (hg19) VCF-style: chr3-4403847-C-T.
Other names: c.1031G>A, p.Arg344His (NM_001164674.2); c.1046G>A, p.Arg349His (NM_001164675.2); short protein forms R369H, R344H, R349H.
Identifiers: ClinVar variation 2141981 (VCV002141981.2), dbSNP rs926687493, ClinGen allele CA68749465.
Genomic context (GRCh38, chr3:4,362,163, plus strand): 5'-ACACGACTGCTCCTTGGACTGGGGAAGACTTTCCTTGGTTGTCAGTCCATAGTGGGCAGG[C>T]GGTCGGCTGCACAGCGGAATCCCAGATTCGAAGCAGAGCTATCAGGTGTGTTCTGGCTCC-3'
Protein context (NP_877437.2, residues 359-374): SNLGFRCAAD[Arg369His]LPTMD